The following is an entry in ClinVar:

ClinVar aggregate classification (germline): Likely benign. Review status: criteria provided, multiple submitters, no conflicts (2 of 4 stars). 2 submissions from 2 submitters: Likely benign (2). Last evaluated 2025-01-11.

Conditions:
Hyperkalemic periodic paralysis. Also called: Familial hyperkalemic periodic paralysis; Gamstorp disease. Identifiers: Orphanet 682, MedGen C0238357, MONDO:0008224, OMIM 170500, HP:0007215.

Allele frequency attached by ClinVar (database versions not stated): gnomAD exomes 0.00001 and 0.00002; TOPMed 0.00001; ExAC 0.00002; gnomAD 0.00003; 1000 Genomes Project 0.00020; 1000 Genomes Project 30x 0.00031.
gnomAD v4.1: 23 of 1,597,728 alleles (0.0014%); highest among the groups gnomAD compares: African/African-American, 0.008%; no homozygotes.

Submissions (2):

Labcorp Genetics (formerly Invitae), Labcorp
Classification: Likely benign for Hyperkalemic periodic paralysis. Last evaluated: 2025-01-11. Review status: criteria provided, single submitter. Criteria: Invitae Variant Classification Sherloc (09022015). Collection method: clinical testing. Allele origin: germline.

GeneDx
Classification: Likely benign. Last evaluated: 2016-09-01. Review status: criteria provided, single submitter. Criteria: GeneDx Variant Classification (06012015). Collection method: clinical testing. Allele origin: germline. Affected: yes.
Comment: This variant is considered likely benign or benign based on one or more of the following criteria: it is a conservative change, it occurs at a poorly conserved position in the protein, it is predicted to be benign by multiple in silico algorithms, and/or has population frequency not consistent with disease.

NM_000334.4(SCN4A):c.2574C>T (p.Leu858=)

Genes: SCN4A (sodium voltage-gated channel alpha subunit 4; minus strand), GH-LCR (growth hormone locus control region; plus strand). Cytogenetic location: 17q23.3.
Variant type: single nucleotide variant.
Coding change: c.2574C>T on transcript NM_000334.4 (MANE Select); coding-DNA position 2574, C replaced by T.
Protein change: p.Leu858=; no amino-acid change (leucine 858 retained).
Molecular consequence: synonymous variant.
Genome position (GRCh38, 1-based): chr17:63,951,703, G>A on the plus strand (C>T on the coding strand, the complement: SCN4A is on the minus strand). VCF-style: chr17-63951703-G-A. GRCh37 (hg19) VCF-style: chr17-62029063-G-A.
Identifiers: ClinVar variation 388869 (VCV000388869.9), dbSNP rs184107335, ClinGen allele CA8709561.